The following is an entry in ClinVar:

NM_019098.5(CNGB3):c.1844A>G (p.Asn615Ser)

Gene: CNGB3 (cyclic nucleotide gated channel subunit beta 3; minus strand). Cytogenetic location: 8q21.3.
Variant type: single nucleotide variant.
Coding change: c.1844A>G on transcript NM_019098.5 (MANE Select); coding-DNA position 1844, A replaced by G.
Protein change: p.Asn615Ser; replaces asparagine 615 with serine.
Molecular consequence: missense variant.
Genome position (GRCh38, 1-based): chr8:86,579,190, T>C on the plus strand (A>G on the coding strand, the complement: CNGB3 is on the minus strand). VCF-style: chr8-86579190-T-C. GRCh37 (hg19) VCF-style: chr8-87591418-T-C.
Other names: short protein forms N615S.
Identifiers: ClinVar variation 2082379 (VCV002082379.3), dbSNP rs759552248, ClinGen allele CA4799882.

ClinVar aggregate classification (germline): Uncertain significance. Review status: criteria provided, multiple submitters, no conflicts (2 of 4 stars). 3 submissions from 3 submitters: Uncertain significance (3). Last evaluated 2022-10-04.

Conditions:
Inborn genetic diseases. Identifiers: MedGen C0950123, MeSH D030342.

Allele frequency attached by ClinVar (database versions not stated): ExAC 0.00003; TOPMed 0.00006; gnomAD 0.00007; gnomAD exomes 0.00011.
gnomAD v4.1: 170 of 1,614,072 alleles (0.011%); highest among the groups gnomAD compares: Non-Finnish European, 0.013%; no homozygotes.

Submissions (3):

Ambry Genetics
Classification: Uncertain significance for Inborn genetic diseases. Last evaluated: 2022-10-04. Review status: criteria provided, single submitter. Criteria: Ambry Variant Classification Scheme 2023. Collection method: clinical testing. Allele origin: germline.

Labcorp Genetics (formerly Invitae), Labcorp
Classification: Uncertain significance. Last evaluated: 2022-08-16. Review status: criteria provided, single submitter. Criteria: Invitae Variant Classification Sherloc (09022015). Collection method: clinical testing. Allele origin: germline.
Comment: This sequence change replaces asparagine, which is neutral and polar, with serine, which is neutral and polar, at codon 615 of the CNGB3 protein (p.Asn615Ser). This variant is present in population databases (rs759552248, gnomAD 0.01%). This variant has not been reported in the literature in individuals affected with CNGB3-related conditions. Advanced modeling of protein sequence and biophysical properties (such as structural, functional, and spatial information, amino acid conservation, physicochemical variation, residue mobility, and thermodynamic stability) performed at Invitae indicates that this missense variant is not expected to disrupt CNGB3 protein function. Algorithms developed to predict the effect of sequence changes on RNA splicing suggest that this variant may create or strengthen a splice site. In summary, the available evidence is currently insufficient to determine the role of this variant in disease. Therefore, it has been classified as a Variant of Uncertain Significance.

Blueprint Genetics
Classification: Uncertain significance. Last evaluated: 2022-06-15. Review status: criteria provided, single submitter. Criteria: ACMG Guidelines, 2015. Collection method: clinical testing. Allele origin: germline.